The following is an entry in ClinVar:

ClinVar aggregate classification (germline): Likely pathogenic (1 of 4 stars; one submission).

Conditions:
Hyperimmunoglobulin D with periodic fever (HIDS). Also called: Hyperimmunoglobulinemia D with periodic fever; HYPERIMMUNOGLOBULINEMIA D AND PERIODIC FEVER SYNDROME; Hyperimmunoglobulinemia D. Identifiers: Orphanet 343, MedGen C0398691, MONDO:0009849, OMIM 260920.
Porokeratosis 3, disseminated superficial actinic type (POROK3). Also called: POROKERATOSIS, DISSEMINATED SUPERFICIAL ACTINIC, 1; POROKERATOSIS 3, MULTIPLE TYPES; POROKERATOSIS 3, MIBELLI TYPE. Identifiers: MedGen C1867981, MONDO:0008293, OMIM 175900.
Mevalonic aciduria (MEVA). Identifiers: Orphanet 29, MedGen C1959626, MONDO:0012481, OMIM 610377.

Allele frequency attached by ClinVar (database versions not stated): gnomAD exomes below 0.00001; ExAC 0.00001.
gnomAD v4.1: 2 of 1,614,174 alleles (0.00012%); highest among the groups gnomAD compares: Admixed American, 0.0033%; no homozygotes.

Submission:

Labcorp Genetics (formerly Invitae), Labcorp
Classification: Likely pathogenic for Mevalonic aciduria; Hyperimmunoglobulin D with periodic fever; Porokeratosis 3, disseminated superficial actinic type. Last evaluated: 2022-03-31. Review status: criteria provided, single submitter. Criteria: Invitae Variant Classification Sherloc (09022015). Collection method: clinical testing. Allele origin: germline.
Comment: In summary, the currently available evidence indicates that the variant is pathogenic, but additional data are needed to prove that conclusively. Therefore, this variant has been classified as Likely Pathogenic. Advanced modeling of protein sequence and biophysical properties (such as structural, functional, and spatial information, amino acid conservation, physicochemical variation, residue mobility, and thermodynamic stability) performed at Invitae indicates that this missense variant is expected to disrupt MVK protein function. This missense change has been observed in individual(s) with mevalonate kinase deficiency (PMID: 21708801). This variant is not present in population databases (gnomAD no frequency). This sequence change replaces isoleucine, which is neutral and non-polar, with threonine, which is neutral and polar, at codon 298 of the MVK protein (p.Ile298Thr).

Literature cited by the submitters: PubMed 21708801.

NM_000431.4(MVK):c.893T>C (p.Ile298Thr)

Gene: MVK (mevalonate kinase; plus strand). Cytogenetic location: 12q24.11.
Variant type: single nucleotide variant.
Coding change: c.893T>C on transcript NM_000431.4 (MANE Select); coding-DNA position 893, T replaced by C.
Protein change: p.Ile298Thr; replaces isoleucine 298 with threonine.
Molecular consequence: missense variant.
Genome position (GRCh38, 1-based): chr12:109,595,035, T>C. VCF-style: chr12-109595035-T-C. GRCh37 (hg19) VCF-style: chr12-110032840-T-C.
Other names: c.893T>C, p.Ile298Thr (NM_001114185.3, NM_001414511.1, NM_001414513.1); c.737T>C, p.Ile246Thr (NM_001301182.2, NM_001414514.1); c.968T>C, p.Ile323Thr (NM_001414512.1); c.311T>C, p.Ile104Thr (NM_001414515.1); short protein forms I298T, I246T, I104T, I323T.
Identifiers: ClinVar variation 2137423 (VCV002137423.4), dbSNP rs775702104, ClinGen allele CA6779413.